The following is an entry in ClinVar:

ClinVar aggregate classification (germline): Uncertain significance. Review status: reviewed by expert panel (3 of 4 stars). 2 submissions from 2 submitters: Uncertain significance (1). 1 of the submissions does not count toward it. Last evaluated 2024-09-16.

Conditions:
Hereditary thrombocytopenia and hematological cancer predisposition syndrome associated with RUNX1. Also called: PLATELET DISORDER, ASPIRIN-LIKE; Familial Platelet Disorder with Propensity to Acute Myelogenous Leukemia; Familial thrombocytopenia with propensity to acute myelogenous leukemia; RUNX1 Familial Platelet Disorder with Associated Myeloid Malignancies. Identifiers: Orphanet 71290, MedGen C1832388, MeSH C563324, MONDO:0100083, OMIM 601399.
Hereditary thrombocytopenia and hematologic cancer predisposition syndrome. Identifiers: Orphanet 71290, MedGen CN281654, MONDO:0011071.

Submissions (2):

ClinGen Myeloid Malignancy Variant Curation Expert Panel
Classification: Uncertain significance for Hereditary thrombocytopenia and hematologic cancer predisposition syndrome. Last evaluated: 2024-09-16. Review status: reviewed by expert panel. Criteria: ClinGen MyeloMalig ACMG Specifications v2. Collection method: curation. Allele origin: germline. Inheritance: Autosomal dominant inheritance.
Comment: NM_001754.5(RUNX1):c.358G>A (p.Ala120Thr) is a missense variant which affects one of the hotspot residues in the RHD established by the MM-VCEP for RUNX1 (AA Val120) (PM1_supporting). This variant is completely absent from all population databases with at least 20x coverage for RUNX1 (PM2_supporting). This missense variant has a REVEL score > 0.88 (0.901) (PP3). This variant has been reported in ClinVar; however, no phenotypic data was provided. In summary, this variant meets the criteria to be classified as a variant of uncertain significance. ACMG/AMP criteria applied, as specified by the Myeloid Malignancy Variant Curation Expert Panel for RUNX1: PM1_supporting, PP3, PM2_supporting.

Labcorp Genetics (formerly Invitae), Labcorp
Classification: Uncertain significance for Hereditary thrombocytopenia and hematological cancer predisposition syndrome associated with RUNX1. Last evaluated: 2020-03-01. Review status: criteria provided, single submitter. Criteria: Invitae Variant Classification Sherloc (09022015). Collection method: clinical testing. Allele origin: germline. Not counted in ClinVar's aggregate classification.
Comment: In summary, the available evidence is currently insufficient to determine the role of this variant in disease. Therefore, it has been classified as a Variant of Uncertain Significance. This sequence change replaces alanine with threonine at codon 120 of the RUNX1 protein (p.Ala120Thr). The alanine residue is moderately conserved and there is a small physicochemical difference between alanine and threonine. This variant is not present in population databases (ExAC no frequency). This variant has not been reported in the literature in individuals with RUNX1-related conditions. Algorithms developed to predict the effect of missense changes on protein structure and function (SIFT, PolyPhen-2, Align-GVGD) all suggest that this variant is likely to be tolerated, but these predictions have not been confirmed by published functional studies and their clinical significance is uncertain.

NM_001754.5(RUNX1):c.358G>A (p.Ala120Thr)

Genes: RUNX1 (RUNX family transcription factor 1; minus strand), RUNX1-AS1 (RUNX1 antisense RNA 1; plus strand). Cytogenetic location: 21q22.12.
Variant type: single nucleotide variant.
Coding change: c.358G>A on transcript NM_001754.5 (MANE Select); coding-DNA position 358, G replaced by A.
Protein change: p.Ala120Thr; replaces alanine 120 with threonine.
Molecular consequence: missense variant.
Genome position (GRCh38, 1-based): chr21:34,880,707, C>T on the plus strand (G>A on the coding strand, the complement: RUNX1 is on the minus strand). VCF-style: chr21-34880707-C-T. GRCh37 (hg19) VCF-style: chr21-36253004-C-T.
Other names: NM_001754.5(RUNX1):c.358G>A; p.Ala120Thr; c.277G>A, p.Ala93Thr (NM_001001890.3, NM_001122607.2); short protein forms A120T, A93T.
Identifiers: ClinVar variation 1057975 (VCV001057975.10), dbSNP rs2146363912, ClinGen allele CA410202778.